The following is an entry in ClinVar:

ClinVar aggregate classification (germline): Pathogenic (1 of 4 stars; one submission).

Submission:

GeneDx
Classification: Pathogenic. Last evaluated: 2022-07-21. Review status: criteria provided, single submitter. Criteria: GeneDx Variant Classification Process June 2021. Collection method: clinical testing. Allele origin: germline. Affected: yes.
Comment: Published functional studies demonstrate variant results in skipping of exon 35, which encodes a portion of the triple helical domain; reported as c.2133+6 T>A and c.2133+8 A>C events on the same allele (in cis) (Lee et al., 2006; Marini et al., 2007); Not observed in large population cohorts (gnomAD); This variant is associated with the following publications: (PMID: 16705691, 17078022, 27509835, 30715774)

NM_000089.4(COL1A2):c.2133+6_2133+8delinsAAC

Gene: COL1A2 (collagen type I alpha 2 chain; plus strand). Cytogenetic location: 7q21.3.
Variant type: Indel.
Coding change: c.2133+6_2133+8delinsAAC on transcript NM_000089.4 (MANE Select); bases 6 to 8 of the intron after coding-DNA position 2133, TAA replaced by AAC.
Molecular consequence: intron variant.
Genome position (GRCh38, 1-based): chr7:94,420,292-94,420,294, TAA replaced by AAC. VCF-style: chr7-94420292-TAA-AAC. GRCh37 (hg19) VCF-style: chr7-94049604-TAA-AAC.
Identifiers: ClinVar variation 1698057 (VCV001698057.2), dbSNP rs2115930608, ClinGen allele CA2580077885.
Genomic context (GRCh38, chr7:94,420,292, plus strand): 5'-GGGCGAAGCTGGGGCTGCTGGTCCTGCTGGTCCTGCTGGTCCTCGGGGAAGCCCTGTAAG[TAA>AAC]GAACCTGGGTCATTTTGTATACTCACACCTCACAATGTTTAGACATTGATGAACCTAGGA-3'